The following is an entry in ClinVar:

NC_000003.11:g.(?_196229724)_(196230044_?)dup

Gene: RNF168 (ring finger protein 168; minus strand). Cytogenetic location: 3q29.
Variant type: Duplication.
Identifiers: ClinVar variation 1412825 (VCV001412825.3).

ClinVar aggregate classification (germline): Uncertain significance (1 of 4 stars; one submission).

Submission:

Labcorp Genetics (formerly Invitae), Labcorp
Classification: Uncertain significance. Last evaluated: 2021-08-29. Review status: criteria provided, single submitter. Criteria: Invitae Variant Classification Sherloc (09022015). Collection method: clinical testing. Allele origin: germline.
Comment: This variant results in a copy number gain of the genomic region encompassing exon(s) 1 of the RNF168 gene. This region includes the initiator codon of the gene. The 5' end of this event is unknown as it extends beyond the assayed region for this gene and therefore may encompass additional genes. The 3' boundary is likely confined to intron 1 of the RNF168 gene. As the precise location of this event is unknown, it may be in tandem or it may be located elsewhere in the genome. This variant has not been reported in the literature in individuals with RNF168-related conditions. Experimental studies and prediction algorithms are not available or were not evaluated, and the functional significance of this variant is currently unknown. In summary, the available evidence is currently insufficient to determine the role of this variant in disease. Therefore, it has been classified as a Variant of Uncertain Significance.